The following is an entry in ClinVar:

NM_002691.4(POLD1):c.988G>C (p.Glu330Gln)

Gene: POLD1 (DNA polymerase delta 1, catalytic subunit; plus strand). Cytogenetic location: 19q13.33.
Variant type: single nucleotide variant.
Coding change: c.988G>C on transcript NM_002691.4 (MANE Select); coding-DNA position 988, G replaced by C.
Protein change: p.Glu330Gln; replaces glutamic acid 330 with glutamine.
Molecular consequence: missense variant. On other transcripts: non-coding transcript variant (1).
Genome position (GRCh38, 1-based): chr19:50,403,070, G>C. VCF-style: chr19-50403070-G-C. GRCh37 (hg19) VCF-style: chr19-50906327-G-C.
Other names: c.988G>C, p.Glu330Gln (NM_001256849.1, NM_001308632.1); short protein forms E330Q.
Identifiers: ClinVar variation 1314913 (VCV001314913.7), dbSNP rs1060501813, ClinGen allele CA406977787.
Genomic context (GRCh38, chr19:50,403,070, plus strand): 5'-GTGAGGGGCAGGAGTCAGGCCCCTGCATCCTCCTGCCTCGCAGGCATCTTCCCTGAGCCT[G>C]AGCGGGACCCTGTCATCCAGATCTGCTCGCTGGGCCTGCGCTGGGGGGAGCCGGAGCCCT-3'
Protein context (NP_002682.2, residues 320-340): AGRKGIFPEP[Glu330Gln]RDPVIQICSL

ClinVar aggregate classification (germline): Uncertain significance. Review status: criteria provided, multiple submitters, no conflicts (2 of 4 stars). 2 submissions from 2 submitters: Uncertain significance (2). Last evaluated 2021-12-17.

Conditions:
POLD1-related polyposis and colorectal cancer syndrome (CRCS10). Also called: Colorectal cancer, susceptibility to, 10; Colorectal cancer 10; COLORECTAL CANCER, SUSCEPTIBILITY TO, ON CHROMOSOME 19q. Identifiers: Orphanet 220460, MedGen C2675481, MONDO:0012953, OMIM 612591.

gnomAD v4.1: 1 of 1,561,574 alleles (0.000064%); highest among the groups gnomAD compares: Non-Finnish European, 0.000087%; no homozygotes.

Submissions (2):

Labcorp Genetics (formerly Invitae), Labcorp
Classification: Uncertain significance for POLD1-related polyposis and colorectal cancer syndrome. Last evaluated: 2021-12-17. Review status: criteria provided, single submitter. Criteria: Invitae Variant Classification Sherloc (09022015). Collection method: clinical testing. Allele origin: germline.
Comment: This sequence change replaces glutamic acid, which is acidic and polar, with glutamine, which is neutral and polar, at codon 330 of the POLD1 protein (p.Glu330Gln). This variant is not present in population databases (gnomAD no frequency). This variant has not been reported in the literature in individuals affected with POLD1-related conditions. ClinVar contains an entry for this variant (Variation ID: 1314913). Algorithms developed to predict the effect of missense changes on protein structure and function are either unavailable or do not agree on the potential impact of this missense change (SIFT: "Tolerated"; PolyPhen-2: "Possibly Damaging"; Align-GVGD: "Class C0"). In summary, the available evidence is currently insufficient to determine the role of this variant in disease. Therefore, it has been classified as a Variant of Uncertain Significance.

GeneDx
Classification: Uncertain significance. Last evaluated: 2021-04-28. Review status: criteria provided, single submitter. Criteria: GeneDx Variant Classification Process June 2021. Collection method: clinical testing. Allele origin: germline. Affected: yes.
Comment: Not observed in large population cohorts (Lek 2016); In silico analysis supports that this missense variant does not alter protein structure/function; Has not been previously published as pathogenic or benign to our knowledge